The following is an entry in ClinVar:

ClinVar aggregate classification (germline): Uncertain significance. Review status: criteria provided, multiple submitters, no conflicts (2 of 4 stars). 2 submissions from 2 submitters: Uncertain significance (2). Last evaluated 2026-02-05.

Conditions:
ADGRV1-related disorder. Also called: ADGRV1-related condition; ADGRV1-related disorders.

gnomAD v4.1: 8 of 1,496,790 alleles (0.00053%); highest among the groups gnomAD compares: Non-Finnish European, 0.00071%; no homozygotes.

Submissions (2):

PreventionGenetics, part of Exact Sciences
Classification: Uncertain significance for ADGRV1-related condition. Last evaluated: 2026-02-05. Review status: criteria provided, single submitter. Criteria: ACMG Guidelines, 2015. Collection method: clinical testing. Allele origin: germline.
Comment: The ADGRV1 c.673-4A>G variant is predicted to interfere with splicing. To our knowledge, this variant has not been reported in the literature. This variant is reported in 0.0065% of alleles in individuals of European (Non-Finnish) descent in gnomAD. At this time, the clinical significance of this variant is uncertain due to the absence of conclusive functional and genetic evidence.

Blueprint Genetics
Classification: Uncertain significance. Last evaluated: 2022-04-12. Review status: criteria provided, single submitter. Criteria: ACMG Guidelines, 2015. Collection method: clinical testing. Allele origin: germline.

NM_032119.4(ADGRV1):c.673-4A>G

Gene: ADGRV1 (adhesion G protein-coupled receptor V1; plus strand). Cytogenetic location: 5q14.3.
Variant type: single nucleotide variant.
Coding change: c.673-4A>G on transcript NM_032119.4 (MANE Select); 4 bases into the intron before coding-DNA position 673, A replaced by G.
Molecular consequence: intron variant.
Genome position (GRCh38, 1-based): chr5:90,627,207, A>G. VCF-style: chr5-90627207-A-G. GRCh37 (hg19) VCF-style: chr5-89923024-A-G.
Other names: c.673-4A>G (NM_032119.3).
Identifiers: ClinVar variation 4971136 (VCV004971136.2).
Genomic context (GRCh38, chr5:90,627,207, plus strand): 5'-CTTTAGTTTATTTGCAGGTGTTTTGGCTGTTGATGTTTTGCCTCTGTTTATATTCCTTTA[A>G]CAGGTACCAGAAAATGATGAAATATTTTTAATTCAACTGAAAAGTGTAGAAGGAGGAGCT-3'